The following is an entry in ClinVar:

ClinVar aggregate classification (germline): Uncertain significance (1 of 4 stars; one submission).

Submission:

Labcorp Genetics (formerly Invitae), Labcorp
Classification: Uncertain significance. Last evaluated: 2022-05-14. Review status: criteria provided, single submitter. Criteria: Invitae Variant Classification Sherloc (09022015). Collection method: clinical testing. Allele origin: germline.
Comment: This sequence change replaces arginine, which is basic and polar, with tryptophan, which is neutral and slightly polar, at codon 275 of the XYLT2 protein (p.Arg275Trp). This variant is not present in population databases (gnomAD no frequency). This variant has not been reported in the literature in individuals affected with XYLT2-related conditions. Algorithms developed to predict the effect of missense changes on protein structure and function are either unavailable or do not agree on the potential impact of this missense change (SIFT: "Deleterious"; PolyPhen-2: "Probably Damaging"; Align-GVGD: "Class C15"). In summary, the available evidence is currently insufficient to determine the role of this variant in disease. Therefore, it has been classified as a Variant of Uncertain Significance.

NM_022167.4(XYLT2):c.823C>T (p.Arg275Trp)

Gene: XYLT2 (xylosyltransferase 2; plus strand). Cytogenetic location: 17q21.33.
Variant type: single nucleotide variant.
Coding change: c.823C>T on transcript NM_022167.4 (MANE Select); coding-DNA position 823, C replaced by T.
Protein change: p.Arg275Trp; replaces arginine 275 with tryptophan.
Molecular consequence: missense variant.
Genome position (GRCh38, 1-based): chr17:50,354,872, C>T. VCF-style: chr17-50354872-C-T. GRCh37 (hg19) VCF-style: chr17-48432233-C-T.
Other names: short protein forms R275W.
Identifiers: ClinVar variation 2102680 (VCV002102680.4), dbSNP rs762208911, ClinGen allele CA400201742.